The following is an entry in ClinVar:

NM_001123385.2(BCOR):c.3944C>G (p.Ser1315Cys)

Gene: BCOR (BCL6 corepressor; minus strand). Cytogenetic location: Xp11.4.
Variant type: single nucleotide variant.
Coding change: c.3944C>G on transcript NM_001123385.2 (MANE Select); coding-DNA position 3944, C replaced by G.
Protein change: p.Ser1315Cys; replaces serine 1315 with cysteine.
Molecular consequence: missense variant.
Genome position (GRCh38, 1-based): chrX:40,062,975, G>C on the plus strand (C>G on the coding strand, the complement: BCOR is on the minus strand). VCF-style: chrX-40062975-G-C. GRCh37 (hg19) VCF-style: chrX-39922228-G-C.
Other names: c.3842C>G, p.Ser1281Cys (NM_001123383.2, NM_017745.6); c.3788C>G, p.Ser1263Cys (NM_001123384.2); short protein forms S1263C, S1281C, S1315C.
Identifiers: ClinVar variation 2575009 (VCV002575009.1), dbSNP rs1934974144, ClinGen allele CA412737097.

ClinVar aggregate classification (germline): Uncertain significance (1 of 4 stars; one submission).

Allele frequency attached by ClinVar (database versions not stated): gnomAD 0.00001.
gnomAD v4.1: 1 of 1,185,164 alleles (0.000084%); highest among the groups gnomAD compares: African/African-American, 0.0018%; no homozygotes.

Submission:

GeneDx
Classification: Uncertain significance. Last evaluated: 2023-02-01. Review status: criteria provided, single submitter. Criteria: GeneDx Variant Classification Process June 2021. Collection method: clinical testing. Allele origin: germline. Affected: yes.
Comment: Not observed at significant frequency in large population cohorts (gnomAD); In silico analysis supports that this missense variant does not alter protein structure/function; Has not been previously published as pathogenic or benign to our knowledge